The following is an entry in ClinVar:

NM_020699.4(GATAD2B):c.182A>G (p.His61Arg)

Gene: GATAD2B (GATA zinc finger domain containing 2B; minus strand). Cytogenetic location: 1q21.3.
Variant type: single nucleotide variant.
Coding change: c.182A>G on transcript NM_020699.4 (MANE Select); coding-DNA position 182, A replaced by G.
Protein change: p.His61Arg; replaces histidine 61 with arginine.
Molecular consequence: missense variant.
Genome position (GRCh38, 1-based): chr1:153,828,166, T>C on the plus strand (A>G on the coding strand, the complement: GATAD2B is on the minus strand). VCF-style: chr1-153828166-T-C. GRCh37 (hg19) VCF-style: chr1-153800642-T-C.
Other names: short protein forms H61R.
Identifiers: ClinVar variation 3009186 (VCV003009186.3), dbSNP rs1674948551, ClinGen allele CA342540879.

ClinVar aggregate classification (germline): Uncertain significance (1 of 4 stars; one submission).

Allele frequency attached by ClinVar (database versions not stated): TOPMed below 0.00001; gnomAD 0.00001.
gnomAD v4.1: 3 of 1,614,102 alleles (0.00019%); highest among the groups gnomAD compares: African/African-American, 0.0013%; no homozygotes.

Submission:

Labcorp Genetics (formerly Invitae), Labcorp
Classification: Uncertain significance. Last evaluated: 2022-11-19. Review status: criteria provided, single submitter. Criteria: Invitae Variant Classification Sherloc (09022015). Collection method: clinical testing. Allele origin: germline.
Comment: This variant has not been reported in the literature in individuals affected with GATAD2B-related conditions. This variant is not present in population databases (gnomAD no frequency). This sequence change replaces histidine, which is basic and polar, with arginine, which is basic and polar, at codon 61 of the GATAD2B protein (p.His61Arg). In summary, the available evidence is currently insufficient to determine the role of this variant in disease. Therefore, it has been classified as a Variant of Uncertain Significance. Algorithms developed to predict the effect of sequence changes on RNA splicing suggest that this variant may create or strengthen a splice site. Algorithms developed to predict the effect of missense changes on protein structure and function are either unavailable or do not agree on the potential impact of this missense change (SIFT: "Not Available"; PolyPhen-2: "Benign"; Align-GVGD: "Not Available").